The following is an entry in ClinVar:

NM_004006.3(DMD):c.9148C>T (p.Gln3050Ter)

Gene: DMD (dystrophin; minus strand). Cytogenetic location: Xp21.2.
Variant type: single nucleotide variant.
Coding change: c.9148C>T on transcript NM_004006.3 (MANE Select); coding-DNA position 9148, C replaced by T.
Protein change: p.Gln3050Ter; replaces glutamine 3050 with a stop codon.
Molecular consequence: nonsense.
Genome position (GRCh38, 1-based): chrX:31,348,571, G>A on the plus strand (C>T on the coding strand, the complement: DMD is on the minus strand). VCF-style: chrX-31348571-G-A. GRCh37 (hg19) VCF-style: chrX-31366688-G-A.
Other names: c.9124C>T, p.Gln3042Ter (NM_000109.4); c.9136C>T, p.Gln3046Ter (NM_004009.3); c.8779C>T, p.Gln2927Ter (NM_004010.3); c.5125C>T, p.Gln1709Ter (NM_004011.4); c.5116C>T, p.Gln1706Ter (NM_004012.4); c.1768C>T, p.Gln590Ter (NM_004013.3, NM_004020.4, NM_004021.3 and 2 more transcripts); c.961C>T, p.Gln321Ter (NM_004014.3); short protein forms Q3050*, Q3042*, Q590*, Q2927*, Q321*, Q1706*, Q1709*, Q3046*.
Identifiers: ClinVar variation 265411 (VCV000265411.5), dbSNP rs886039533, ClinGen allele CA10588767.
Genomic context (GRCh38, chrX:31,348,571, plus strand): 5'-TCAAGATGCAATAAAGTTAAGTGATAAAAGCTGAAAATGACTTACTGGAAAGAAAGTGCT[G>A]AGATGCTGGACCAAAGTCCCTGTGGGCTTCATGCAGCTGCCTGACTCGGTCCTCGACGGC-3'

ClinVar aggregate classification (germline): Pathogenic. Review status: criteria provided, multiple submitters, no conflicts (2 of 4 stars). 2 submissions from 2 submitters: Pathogenic (2). Last evaluated 2025-04-07.

Conditions:
Cardiovascular phenotype. Identifiers: MedGen CN230736.

Submissions (2):

Ambry Genetics
Classification: Pathogenic for Cardiovascular phenotype. Last evaluated: 2025-04-07. Review status: criteria provided, single submitter. Criteria: Ambry Variant Classification Scheme 2023. Collection method: clinical testing. Allele origin: germline.
Comment: The c.9148C>T (p.Q3050*) alteration, located in exon 61 (coding exon 61) of the DMD gene, consists of a C to T substitution at nucleotide position 9148. This changes the amino acid from a glutamine (Q) to a stop codon at amino acid position 3050. This alteration is expected to result in loss of function by premature protein truncation or nonsense-mediated mRNA decay. This variant was not reported in population-based cohorts in the Genome Aggregation Database (gnomAD). This variant was reported as hemizygous in individuals with features consistent with DMD-related dystrophinopathy; in at least one individual, it was determined to be de novo (Tuffery-Giraud, 2004; Vieitez, 2017; Tang, 2023). Based on the available evidence, this alteration is classified as pathogenic.

GeneDx
Classification: Pathogenic. Last evaluated: 2016-07-19. Review status: criteria provided, single submitter. Criteria: GeneDx Variant Classification (06012015). Collection method: clinical testing. Allele origin: germline. Affected: yes.
Comment: The Q3050X nonsense variant in the DMD gene has been reported previously in association withdystrophinopathy, specifically with Duchenne muscular dystrophy (Tuffery-Giraud et al., 2014;Vieitez et al., 2016). This pathogenic variant is predicted to cause loss of normal protein functioneither through protein truncation or nonsense-mediated mRNA decay.

Literature cited by the submitters: PubMed 15351422 (cited by Ambry Genetics); PubMed 26968818 (cited by Ambry Genetics); PubMed 37254189 (cited by Ambry Genetics).